The following is an entry in ClinVar:

ClinVar aggregate classification (germline): Likely pathogenic (1 of 4 stars; one submission).

gnomAD v4.1: 1 of 1,614,230 alleles (0.000062%); highest among the groups gnomAD compares: Non-Finnish European, 0.000085%; no homozygotes.

Submission:

Labcorp Genetics (formerly Invitae), Labcorp
Classification: Likely pathogenic. Last evaluated: 2025-04-08. Review status: criteria provided, single submitter. Criteria: Invitae Variant Classification Sherloc (09022015). Collection method: clinical testing. Allele origin: germline.
Comment: This sequence change replaces glutamic acid, which is acidic and polar, with lysine, which is basic and polar, at codon 239 of the DEAF1 protein (p.Glu239Lys). This variant is present in population databases (no rsID available, gnomAD 0.006%). This variant has not been reported in the literature in individuals affected with DEAF1-related conditions. Invitae Evidence Modeling of protein sequence and biophysical properties (such as structural, functional, and spatial information, amino acid conservation, physicochemical variation, residue mobility, and thermodynamic stability) indicates that this missense variant is expected to disrupt DEAF1 protein function with a positive predictive value of 95%. This variant disrupts the p.Glu239 amino acid residue in DEAF1. Other variant(s) that disrupt this residue have been determined to be pathogenic (PMID: 30923367). This suggests that this residue is clinically significant, and that variants that disrupt this residue are likely to be disease-causing. In summary, the currently available evidence indicates that the variant is pathogenic, but additional data are needed to prove that conclusively. Therefore, this variant has been classified as Likely Pathogenic.

Literature cited by the submitters: PubMed 30923367.

NM_021008.4(DEAF1):c.715G>A (p.Glu239Lys)

Gene: DEAF1 (DEAF1 transcription factor; minus strand). Cytogenetic location: 11p15.5.
Variant type: single nucleotide variant.
Coding change: c.715G>A on transcript NM_021008.4 (MANE Select); coding-DNA position 715, G replaced by A.
Protein change: p.Glu239Lys; replaces glutamic acid 239 with lysine.
Molecular consequence: missense variant. On other transcripts: 5 prime UTR variant (4), intron variant (1).
Genome position (GRCh38, 1-based): chr11:686,947, C>T on the plus strand (G>A on the coding strand, the complement: DEAF1 is on the minus strand). VCF-style: chr11-686947-C-T. GRCh37 (hg19) VCF-style: chr11-686947-C-T.
Other names: c.-12G>A (NM_001367390.1, NM_001440885.1, NM_001440886.1 and 1 more transcripts); c.715G>A, p.Glu239Lys (NM_001440883.1, NM_001440884.1); c.664+964G>A (NM_001293634.2); short protein forms E239K.
Identifiers: ClinVar variation 4771568 (VCV004771568.1).